The following is an entry in ClinVar:

NM_207122.2(EXT2):c.626+6_626+8del

Gene: EXT2 (exostosin glycosyltransferase 2; plus strand). Cytogenetic location: 11p11.2.
Variant type: Microsatellite.
Coding change: c.626+6_626+8del on transcript NM_207122.2 (MANE Select); bases 6 to 8 of the intron after coding-DNA position 626, 3 bases deleted (AGG; older notation c.626+6_626+8delAGG).
Molecular consequence: intron variant.
Genome position (GRCh38, 1-based): chr11:44,109,289-44,109,291, AGG deleted; deleting any 3 consecutive bases within chr11:44,109,286-44,109,291 gives the same sequence; the c. name uses the placement nearest the transcript's 3' end. VCF-style (leftmost placement, unchanged base first): chr11-44109285-TAGG-T. GRCh37 (hg19) VCF-style: chr11-44130835-TAGG-T.
Other names: c.626+6_626+8del (NM_001389630.1, NM_001178083.3, NM_001389628.1); c.725+6_725+8del (NM_000401.3); c.626+6_626+8delAGG (NM_207122.1).
Identifiers: ClinVar variation 1979605 (VCV001979605.6), dbSNP rs767094782, ClinGen allele CA5954947.

ClinVar aggregate classification (germline): Uncertain significance. Review status: criteria provided, single submitter (1 of 4 stars). 2 submissions from 2 submitters: Uncertain significance (1). 1 of the submissions does not count toward it. Last evaluated 2024-10-16.

Conditions:
EXT2-related disorder. Also called: EXT2-related condition.
Exostoses, multiple, type 2 (EXT2). Also called: Hereditary Multiple Osteochondromatosis, Type II; EXOSTOSES, MULTIPLE, TYPE II. Identifiers: Orphanet 321, MedGen C1851413, MONDO:0007586, OMIM 133701.

Submissions (2):

Labcorp Genetics (formerly Invitae), Labcorp
Classification: Uncertain significance for Exostoses, multiple, type 2. Last evaluated: 2024-10-16. Review status: criteria provided, single submitter. Criteria: Invitae Variant Classification Sherloc (09022015). Collection method: clinical testing. Allele origin: germline.
Comment: This sequence change falls in intron 3 of the EXT2 gene. It does not directly change the encoded amino acid sequence of the EXT2 protein. It affects a nucleotide within the consensus splice site. This variant is present in population databases (rs767094782, gnomAD 0.006%). This variant has not been reported in the literature in individuals affected with EXT2-related conditions. Variants that disrupt the consensus splice site are a relatively common cause of aberrant splicing (PMID: 17576681, 9536098). Algorithms developed to predict the effect of sequence changes on RNA splicing suggest that this variant is not likely to affect RNA splicing. In summary, the available evidence is currently insufficient to determine the role of this variant in disease. Therefore, it has been classified as a Variant of Uncertain Significance.

PreventionGenetics, part of Exact Sciences
Classification: Likely benign for EXT2-related condition. Last evaluated: 2019-04-29. Review status: no assertion criteria provided. Collection method: clinical testing. Allele origin: germline. Not counted in ClinVar's aggregate classification.
Comment: This variant is classified as likely benign based on ACMG/AMP sequence variant interpretation guidelines (Richards et al. 2015 PMID: 25741868, with internal and published modifications).

Literature cited by the submitters: PubMed 17576681 (cited by Labcorp Genetics (formerly Invitae), Labcorp); PubMed 9536098 (cited by Labcorp Genetics (formerly Invitae), Labcorp).